The following is an entry in ClinVar:

NM_001148.6(ANK2):c.2901-3del

Gene: ANK2 (ankyrin 2; plus strand). Cytogenetic location: 4q26.
Variant type: Deletion.
Coding change: c.2901-3del on transcript NM_001148.6 (MANE Select); 3 bases into the intron before coding-DNA position 2901, one base deleted (T; older notation c.2901-3delT).
Molecular consequence: intron variant.
Genome position (GRCh38, 1-based): chr4:113,330,243, T deleted; the last of 5 consecutive T bases (chr4:113,330,239-113,330,243); deleting any one gives the same sequence. VCF-style (leftmost placement, unchanged base first): chr4-113330238-AT-A. GRCh37 (hg19) VCF-style: chr4-114251394-AT-A.
Other names: c.2886-3del (NM_001386186.2, NM_001386148.2); c.2688-3del (NM_001354269.3); c.2865-3del (NM_001386187.2); c.2859-3del (NM_001386147.1, NM_001354261.2); c.2844-3del (NM_001386160.1); c.2850-3del (NM_001354254.2); c.2871-3del (NM_001354239.2, NM_001354252.2, NM_001354272.2); c.2835-3del (NM_001354244.2, NM_001354256.2, NM_001386161.1); and 24 more.
Identifiers: ClinVar variation 849577 (VCV000849577.7), dbSNP rs762939884, ClinGen allele CA3050744.

ClinVar aggregate classification (germline): Uncertain significance. Review status: criteria provided, multiple submitters, no conflicts (2 of 4 stars). 2 submissions from 2 submitters: Uncertain significance (2). Last evaluated 2025-09-08.

Conditions:
Cardiovascular phenotype. Identifiers: MedGen CN230736.
Long QT syndrome (LQTS). Identifiers: MedGen C0023976, MeSH D008133, MONDO:0002442. Disease mechanism: loss of function. Inheritance: Various modes of inheritance.

Submissions (2):

Ambry Genetics
Classification: Uncertain significance for Cardiovascular phenotype. Last evaluated: 2025-09-08. Review status: criteria provided, single submitter. Criteria: Ambry Variant Classification Scheme 2023. Collection method: clinical testing. Allele origin: germline.
Comment: The c.2901-3delT intronic variant, located in intron 26 of the ANK2 gene, results from a deletion of one nucleotide within intron 26 of the ANK2 gene. This nucleotide position is poorly conserved in available vertebrate species. In silico splice site analysis predicts that this alteration will not have any significant effect on splicing. Based on the available evidence, the clinical significance of this variant remains unclear for ANK2-related neurodevelopmental disorder; however, it is unlikely to be causative of arrythmias.

Labcorp Genetics (formerly Invitae), Labcorp
Classification: Uncertain significance for Long QT syndrome. Last evaluated: 2022-01-14. Review status: criteria provided, single submitter. Criteria: Invitae Variant Classification Sherloc (09022015). Collection method: clinical testing. Allele origin: germline.
Comment: The frequency data for this variant in the population databases is considered unreliable, as metrics indicate poor data quality at this position in the gnomAD database. In summary, the available evidence is currently insufficient to determine the role of this variant in disease. Therefore, it has been classified as a Variant of Uncertain Significance. Variants that disrupt the consensus splice site are a relatively common cause of aberrant splicing (PMID: 17576681, 9536098). Algorithms developed to predict the effect of sequence changes on RNA splicing suggest that this variant is not likely to affect RNA splicing. ClinVar contains an entry for this variant (Variation ID: 849577). This variant has not been reported in the literature in individuals affected with ANK2-related conditions. This sequence change falls in intron 26 of the ANK2 gene. It does not directly change the encoded amino acid sequence of the ANK2 protein. It affects a nucleotide within the consensus splice site.

Literature cited by the submitters: PubMed 17576681 (cited by Labcorp Genetics (formerly Invitae), Labcorp); PubMed 9536098 (cited by Labcorp Genetics (formerly Invitae), Labcorp).